The following is an entry in ClinVar:

ClinVar aggregate classification (germline): Uncertain significance (1 of 4 stars; one submission).

Conditions:
Familial cancer of breast. Also called: hereditary breast carcinoma; BREAST CANCER, FAMILIAL; Hereditary breast cancer. Identifiers: Orphanet 227535, MedGen C0346153, MONDO:0016419, OMIM 114480. Disease mechanism: loss of function.

Submission:

Labcorp Genetics (formerly Invitae), Labcorp
Classification: Uncertain significance for Familial cancer of breast. Last evaluated: 2020-11-12. Review status: criteria provided, single submitter. Criteria: Invitae Variant Classification Sherloc (09022015). Collection method: clinical testing. Allele origin: germline.
Comment: This sequence change replaces lysine with arginine at codon 369 of the BARD1 protein (p.Lys369Arg). The lysine residue is moderately conserved and there is a small physicochemical difference between lysine and arginine. In summary, the available evidence is currently insufficient to determine the role of this variant in disease. Therefore, it has been classified as a Variant of Uncertain Significance. Algorithms developed to predict the effect of sequence changes on RNA splicing suggest that this variant may create or strengthen a splice site, but this prediction has not been confirmed by published transcriptional studies. Algorithms developed to predict the effect of missense changes on protein structure and function output the following: SIFT: "Tolerated"; PolyPhen-2: "Benign"; Align-GVGD: "Class C0". The arginine amino acid residue is found in multiple mammalian species, suggesting that this missense change does not adversely affect protein function. These predictions have not been confirmed by published functional studies and their clinical significance is uncertain. This variant has not been reported in the literature in individuals with BARD1-related conditions. This variant is not present in population databases (ExAC no frequency).

NM_000465.4(BARD1):c.1106A>G (p.Lys369Arg)

Gene: BARD1 (BRCA1 associated RING domain 1; minus strand). Cytogenetic location: 2q35.
Variant type: single nucleotide variant.
Coding change: c.1106A>G on transcript NM_000465.4 (MANE Select); coding-DNA position 1106, A replaced by G.
Protein change: p.Lys369Arg; replaces lysine 369 with arginine.
Molecular consequence: missense variant. On other transcripts: non-coding transcript variant (2), intron variant (3).
Genome position (GRCh38, 1-based): chr2:214,780,768, T>C on the plus strand (A>G on the coding strand, the complement: BARD1 is on the minus strand). VCF-style: chr2-214780768-T-C. GRCh37 (hg19) VCF-style: chr2-215645492-T-C.
Other names: c.1049A>G, p.Lys350Arg (NM_001282543.2); c.159-28213A>G (NM_001282548.2); c.215+16293A>G (NM_001282545.2); c.364+11529A>G (NM_001282549.2); short protein forms K369R, K350R.
Identifiers: ClinVar variation 1468349 (VCV001468349.9), dbSNP rs2106108664, ClinGen allele CA350454045.